The following is an entry in ClinVar:

ClinVar aggregate classification (germline): Uncertain significance. Review status: criteria provided, multiple submitters, no conflicts (2 of 4 stars). 2 submissions from 2 submitters: Uncertain significance (2). Last evaluated 2025-06-08.

Conditions:
FLT4-related disorder. Also called: FLT4-related condition.
Hereditary lymphedema type I (LMPHM1). Also called: Milroy Disease; Nonne-Milroy disease; Congenital hereditary lymphedema; Early onset lymphedema; Hereditary lymphedema 1; Primary congenital lymphedema. Identifiers: Orphanet 79452, MedGen C1704423, MONDO:0007919, OMIM 153100.

Allele frequency attached by ClinVar (database versions not stated): gnomAD exomes 0.00002; ExAC 0.00006; 1000 Genomes Project 30x 0.00016; 1000 Genomes Project 0.00020; gnomAD 0.00025; TOPMed 0.00033; ESP Exome Variant Server 0.00038.
gnomAD v4.1: 67 of 1,612,884 alleles (0.0042%); highest among the groups gnomAD compares: African/African-American, 0.085%; no homozygotes.

Submissions (2):

Clinical Genomics Laboratory, Washington University in St. Louis
Classification: Uncertain significance for Hereditary lymphedema type I. Last evaluated: 2025-06-08. Review status: criteria provided, single submitter. Criteria: ACMG Guidelines, 2015. Collection method: clinical testing. Allele origin: germline.
Comment: A FLT4 c.1179C>G (p.Ser393Arg) variant was identified at a near heterozygous allelic fraction of 49.1%, a frequency which may be consistent with it being of germline origin. The FLT4 c.1179C>G (p.Ser393Arg) variant has been reported in the ClinVar database as a germline variant of uncertain significance by one submitter (ClinVar ID: 2634525). This variant is observed in 67/1,612,884 alleles in the general population (gnomAD v4.1.0). Computational predictors are uncertain as to the impact of this variant on FLT4 function. Due to limited information and based on ACMG/AMP guidelines for variant interpretation (Richards S et al., PMID: 25741868), the clinical significance of the FLT4 c.1179C>G (p.Ser393Arg) variant is uncertain at this time.

PreventionGenetics, part of Exact Sciences
Classification: Uncertain significance for FLT4-related condition. Last evaluated: 2023-10-03. Review status: criteria provided, single submitter. Criteria: ACMG Guidelines, 2015. Collection method: clinical testing. Allele origin: germline.
Comment: The FLT4 c.1179C>G variant is predicted to result in the amino acid substitution p.Ser393Arg. To our knowledge, this variant has not been reported in the literature. This variant is reported in 0.064% of alleles in individuals of African descent in gnomAD. Although we suspect that this variant may be benign, at this time, the clinical significance of this variant is uncertain due to the absence of conclusive functional and genetic evidence.

NM_182925.5(FLT4):c.1179C>G (p.Ser393Arg)

Gene: FLT4 (fms related receptor tyrosine kinase 4; minus strand). Cytogenetic location: 5q35.3.
Variant type: single nucleotide variant.
Coding change: c.1179C>G on transcript NM_182925.5 (MANE Select); coding-DNA position 1179, C replaced by G.
Protein change: p.Ser393Arg; replaces serine 393 with arginine.
Molecular consequence: missense variant.
Genome position (GRCh38, 1-based): chr5:180,626,190, G>C on the plus strand (C>G on the coding strand, the complement: FLT4 is on the minus strand). VCF-style: chr5-180626190-G-C. GRCh37 (hg19) VCF-style: chr5-180053190-G-C.
Other names: c.1179C>G, p.Ser393Arg (NM_001354989.2, NM_002020.5); short protein forms S393R.
Identifiers: ClinVar variation 2634525 (VCV002634525.2), dbSNP rs373516203, ClinGen allele CA3606827.
Genomic context (GRCh38, chr5:180,626,190, plus strand): 5'-GCTGATGTTGCGCCTCAGGCCAGCAGCGGAGTTCCACAGGGCGAGGGTGTAGGTGCCTGT[G>C]CTGGCCTCTGTCACCTCCTTGAGCACCAGGGCATGTGGACTGTGGCGCCCGGACAGTGCC-3'
Protein context (NP_891555.2, residues 383-403): ALVLKEVTEA[Ser393Arg]TGTYTLALWN